The following is an entry in ClinVar:

Conditions:
Breast-ovarian cancer, familial, susceptibility to, 1 (BROVCA1). Also called: BRCA1 Hereditary Breast and Ovarian Cancer; OVARIAN CANCER, SUSCEPTIBILITY TO. Identifiers: Orphanet 145, MedGen C2676676, MONDO:0011450, OMIM 604370. Disease mechanism: loss of function.

Submission:

Brotman Baty Institute, University of Washington
No classification provided (evidence only). Condition: Breast-ovarian cancer, familial 1. Review status: no classification provided. Collection method: in vitro. Allele origin: not applicable. Functional consequence: functionally_normal.
ClinVar note: "not provided" was previously submitted as the classification for the variant. However, the classification appeared to be based only on an observation of functional data so it was converted to no classification on 2025-07-30.

NM_007294.4(BRCA1):c.5332+14A>T

Gene: BRCA1 (BRCA1 DNA repair associated; minus strand). Cytogenetic location: 17q21.31.
Variant type: single nucleotide variant.
Coding change: c.5332+14A>T on transcript NM_007294.4 (MANE Select); 14 bases into the intron after coding-DNA position 5332, A replaced by T.
Molecular consequence: intron variant.
Genome position (GRCh38, 1-based): chr17:43,051,049, T>A on the plus strand (A>T on the coding strand, the complement: BRCA1 is on the minus strand). VCF-style: chr17-43051049-T-A. GRCh37 (hg19) VCF-style: chr17-41203066-T-A.
Other names: c.1900+14A>T (NM_001408425.1, NM_001408428.1, NM_001408429.1 and 4 more transcripts); c.5203+14A>T (NM_001407681.1, NM_001407687.1, NM_001407941.1 and 6 more transcripts); c.5206+14A>T (NM_001407675.1, NM_001407680.1, NM_001407672.1 and 10 more transcripts); c.5209+14A>T (NM_001407664.1, NM_001407666.1, NM_001407937.1 and 5 more transcripts); c.5275+14A>T (NM_001407648.1); c.1906+14A>T (NM_001408419.1, NM_001408418.1, NM_001408420.1); c.2017+14A>T (NM_001408403.1, NM_001408398.1, NM_001408400.1 and 8 more transcripts); c.2020+14A>T (NM_001407983.1, NM_001407992.1, NM_001407981.1 and 12 more transcripts); and 74 more.
Identifiers: ClinVar variation 868322 (VCV000868322.3), dbSNP rs2051191873, ClinGen allele CA916080996.